The following is an entry in ClinVar:

ClinVar aggregate classification (germline): Uncertain significance (1 of 4 stars; one submission).

Conditions:
Familial encephalopathy with neuroserpin inclusion bodies. Also called: ENCEPHALOPATHY, FAMILIAL, WITH COLLINS BODIES. Identifiers: Orphanet 85110, MedGen C1858680, MONDO:0011412, OMIM 604218.

Allele frequency attached by ClinVar (database versions not stated): gnomAD exomes below 0.00001.

Submission:

Labcorp Genetics (formerly Invitae), Labcorp
Classification: Uncertain significance for Familial encephalopathy with neuroserpin inclusion bodies. Last evaluated: 2023-03-08. Review status: criteria provided, single submitter. Criteria: Invitae Variant Classification Sherloc (09022015). Collection method: clinical testing. Allele origin: germline.
Comment: This variant is not present in population databases (gnomAD no frequency). This sequence change replaces methionine, which is neutral and non-polar, with isoleucine, which is neutral and non-polar, at codon 127 of the SERPINI1 protein (p.Met127Ile). This variant has not been reported in the literature in individuals affected with SERPINI1-related conditions. Advanced modeling of protein sequence and biophysical properties (such as structural, functional, and spatial information, amino acid conservation, physicochemical variation, residue mobility, and thermodynamic stability) performed at Invitae indicates that this missense variant is not expected to disrupt SERPINI1 protein function. In summary, the available evidence is currently insufficient to determine the role of this variant in disease. Therefore, it has been classified as a Variant of Uncertain Significance.

NM_001122752.2(SERPINI1):c.381G>A (p.Met127Ile)

Gene: SERPINI1 (serpin family I member 1; plus strand). Cytogenetic location: 3q26.1.
Variant type: single nucleotide variant.
Coding change: c.381G>A on transcript NM_001122752.2 (MANE Select); coding-DNA position 381, G replaced by A.
Protein change: p.Met127Ile; replaces methionine 127 with isoleucine.
Molecular consequence: missense variant.
Genome position (GRCh38, 1-based): chr3:167,790,502, G>A. VCF-style: chr3-167790502-G-A. GRCh37 (hg19) VCF-style: chr3-167508290-G-A.
Other names: c.381G>A, p.Met127Ile (NM_005025.5); short protein forms M127I.
Identifiers: ClinVar variation 2843719 (VCV002843719.3), dbSNP rs1727469563, ClinGen allele CA355156180.